The following is an entry in ClinVar:

NM_002519.3(NPAT):c.1784G>A (p.Cys595Tyr)

Gene: NPAT (nuclear protein, coactivator of histone transcription; minus strand). Cytogenetic location: 11q22.3.
Variant type: single nucleotide variant.
Coding change: c.1784G>A on transcript NM_002519.3 (MANE Select); coding-DNA position 1784, G replaced by A.
Protein change: p.Cys595Tyr; replaces cysteine 595 with tyrosine.
Molecular consequence: missense variant.
Genome position (GRCh38, 1-based): chr11:108,173,200, C>T on the plus strand (G>A on the coding strand, the complement: NPAT is on the minus strand). VCF-style: chr11-108173200-C-T. GRCh37 (hg19) VCF-style: chr11-108043927-C-T.
Other names: c.1784G>A, p.Cys595Tyr (NM_001321307.1); short protein forms C595Y.
Identifiers: ClinVar variation 1780061 (VCV001780061.2), dbSNP rs2077971439, ClinGen allele CA382514362.
Genomic context (GRCh38, chr11:108,173,200, plus strand): 5'-AAATGTGAACTTTCAACAGACACAGGTAGTATTTCACTTTGAAGACAAGAATTATCTTGG[C>T]AATTTGATAGCTGTGACATAACTGGTTCTAACACATTAATTTCTATTTTACTCTTGTGAA-3'
Protein context (NP_002510.2, residues 585-605): LEPVMSQLSN[Cys595Tyr]QDNSCLQSEI

ClinVar aggregate classification (germline): Uncertain significance (1 of 4 stars; one submission).

Submission:

Ambry Genetics
Classification: Uncertain significance. Last evaluated: 2021-06-20. Review status: criteria provided, single submitter. Criteria: Ambry Variant Classification Scheme 2023. Collection method: clinical testing. Allele origin: germline.
Comment: The p.C595Y variant (also known as c.1784G>A), located in coding exon 13 of the NPAT gene, results from a G to A substitution at nucleotide position 1784. The cysteine at codon 595 is replaced by tyrosine, an amino acid with highly dissimilar properties. This amino acid position is conserved. In addition, this alteration is predicted to be tolerated by in silico analysis. Since supporting evidence is limited at this time, the clinical significance of this alteration remains unclear.